The following is an entry in ClinVar:

NM_000135.4(FANCA):c.35_36insA (p.Gln13fs)

Genes: FANCA (FA complementation group A; minus strand), LOC112486223 (Sharpr-MPRA regulatory region 3988; plus strand). Cytogenetic location: 16q24.3.
Variant type: Insertion.
Coding change: c.35_36insA on transcript NM_000135.4 (MANE Select); coding-DNA positions 35 to 36, A inserted.
Protein change: p.Gln13fs; shifts the reading frame from glutamine 13.
Molecular consequence: frameshift variant.
Genome position: GRCh38 VCF-style: chr16-89816580-G-GT. GRCh37 (hg19) VCF-style: chr16-89882988-G-GT.
Other names: c.35_36insA, p.Gln13fs (NM_001018112.3, NM_001286167.3, NM_001351830.2); c.35_36insA (NM_000135.3); short protein forms Q13fs.
Identifiers: ClinVar variation 2768695 (VCV002768695.5), dbSNP rs2544395061, ClinGen allele CA2697556038.
Genomic context (GRCh38, chr16:89,816,580, plus strand): 5'-CTGCCGCGCCCACCTACCCAGCAGCTCGGCCCAGGCCCTCCGGCGGCCCCCTGGGTCCTG[G>GT]CCCGAGGCGGAGTTCGGGACCCACGAGTCGGACATGGCCTTGGCGCCTACAGCCCCGGCG-3'

ClinVar aggregate classification (germline): Pathogenic/Likely pathogenic. Review status: criteria provided, multiple submitters, no conflicts (2 of 4 stars). 2 submissions from 2 submitters: Pathogenic (1); Likely pathogenic (1). Last evaluated 2025-02-26.

Conditions:
Fanconi anemia (FA). Also called: Fanconi's anemia. Identifiers: Orphanet 84, MedGen C0015625, MeSH D005199, MONDO:0019391.

Submissions (2):

Natera, Inc.
Classification: Likely pathogenic for Fanconi anemia. Last evaluated: 2025-02-26. Review status: criteria provided, single submitter. Criteria: Natera Variant Classification Schema (03/2026). Collection method: clinical testing. Allele origin: germline.
Comment: The c.35_36insA variant in FANCA is a frameshift variant predicted to shift the reading frame beginning at codon 13 and leads to a stop codon 24 codons downstream. This variant is expected to result in nonsense mediated decay, truncation, or a dysfunctional protein product. This variant is rare in the general population with a frequency below the threshold expected for the associated phenotype(s). Given the available evidence, this variant is classified as Likely Pathogenic.

Labcorp Genetics (formerly Invitae), Labcorp
Classification: Pathogenic for Fanconi anemia. Last evaluated: 2023-10-15. Review status: criteria provided, single submitter. Criteria: Invitae Variant Classification Sherloc (09022015). Collection method: clinical testing. Allele origin: germline.
Comment: This sequence change creates a premature translational stop signal (p.Gln13Profs*24) in the FANCA gene. It is expected to result in an absent or disrupted protein product. Loss-of-function variants in FANCA are known to be pathogenic (PMID: 19367192). This variant is not present in population databases (gnomAD no frequency). This premature translational stop signal has been observed in individual(s) with clinical features of Faconi anemia (PMID: 33960719). For these reasons, this variant has been classified as Pathogenic.

Literature cited by the submitters: PubMed 19367192 (cited by Labcorp Genetics (formerly Invitae), Labcorp); PubMed 33960719 (cited by Labcorp Genetics (formerly Invitae), Labcorp).